The following is an entry in ClinVar:

NM_000093.5(COL5A1):c.275C>G (p.Pro92Arg)

Gene: COL5A1 (collagen type V alpha 1 chain; plus strand). Cytogenetic location: 9q34.3.
Variant type: single nucleotide variant.
Coding change: c.275C>G on transcript NM_000093.5 (MANE Select); coding-DNA position 275, C replaced by G.
Protein change: p.Pro92Arg; replaces proline 92 with arginine.
Molecular consequence: missense variant.
Genome position (GRCh38, 1-based): chr9:134,691,077, C>G. VCF-style: chr9-134691077-C-G. GRCh37 (hg19) VCF-style: chr9-137582923-C-G.
Other names: c.275C>G, p.Pro92Arg (NM_001278074.1); short protein forms P92R.
Identifiers: ClinVar variation 3364956 (VCV003364956.1).
Genomic context (GRCh38, chr9:134,691,077, plus strand): 5'-ATGTCGCTTACAGAGTCACCAAAGACGCGCAGCTCAGCGCACCCACCAAGCAGCTGTACC[C>G]TGGTAAGTGCCGCACCCTTCTGTTTGGGGCGGTGGGTCCCGTTGGCCCTCTGGCCTCCAG-3'
Protein context (NP_000084.3, residues 82-102): QLSAPTKQLY[Pro92Arg]ASAFPEDFSI

ClinVar aggregate classification (germline): Uncertain significance (1 of 4 stars; one submission).

gnomAD v4.1: 1 of 1,613,006 alleles (0.000062%); highest among the groups gnomAD compares: Admixed American, 0.0017%; no homozygotes.

Submission:

GeneDx
Classification: Uncertain significance. Last evaluated: 2023-12-05. Review status: criteria provided, single submitter. Criteria: GeneDx Variant Classification Process June 2021. Collection method: clinical testing. Allele origin: germline. Affected: yes.
Comment: Not observed at significant frequency in large population cohorts (gnomAD); In silico analysis supports that this missense variant has a deleterious effect on protein structure/function; Not located in the triple helical region, where the majority of pathogenic missense variants occur (PMID: 22696272); Has not been previously published as pathogenic or benign to our knowledge; This variant is associated with the following publications: (PMID: 22696272)